The following is an entry in ClinVar:

ClinVar aggregate classification (germline): Likely pathogenic (1 of 4 stars; one submission).

Conditions:
Palmoplantar keratodermas.

Allele frequency attached by ClinVar (database versions not stated): gnomAD exomes below 0.00001; TOPMed below 0.00001; ExAC 0.00001; gnomAD 0.00001.

Submission:

Genetics Laboratory, Great Ormond Street Hospital NHS Foundation Trust, North Thames Genomic Laboratory Hub
Classification: Likely pathogenic for Palmoplantar keratodermas. Last evaluated: 2026-07-05. Review status: criteria provided, single submitter. Criteria: ACGS Best Practice Guidelines for Variant Classification in Rare Disease 2024 v1.2. Collection method: clinical testing. Allele origin: germline. Affected: yes.
Comment: PS4_supporting, PVS1_very-strong

NM_024666.5(AAGAB):c.344del (p.Asp115fs)

Gene: AAGAB (alpha and gamma adaptin binding protein; minus strand). Cytogenetic location: 15q23.
Variant type: Deletion.
Coding change: c.344del on transcript NM_024666.5 (MANE Select); coding-DNA position 344, one base deleted (A; older notation c.344delA).
Protein change: p.Asp115fs; shifts the reading frame from aspartic acid 115.
Molecular consequence: frameshift variant.
Genome position (GRCh38, 1-based): chr15:67,236,425, T deleted on the plus strand (A on the coding strand, the reverse complement: AAGAB is on the minus strand). VCF-style (leftmost placement, unchanged base first): chr15-67236424-AT-A. GRCh37 (hg19) VCF-style: chr15-67528762-AT-A.
Other names: c.17del, p.Asp6fs (NM_001271885.2, NM_001271886.2); short protein forms D115fs, D6fs.
Identifiers: ClinVar variation 4887965 (VCV004887965.1), dbSNP rs775489702.